The following is an entry in ClinVar:

NM_000093.5(COL5A1):c.3313G>A (p.Gly1105Arg)

Gene: COL5A1 (collagen type V alpha 1 chain; plus strand). Cytogenetic location: 9q34.3.
Variant type: single nucleotide variant.
Coding change: c.3313G>A on transcript NM_000093.5 (MANE Select); coding-DNA position 3313, G replaced by A.
Protein change: p.Gly1105Arg; replaces glycine 1105 with arginine.
Molecular consequence: missense variant.
Genome position (GRCh38, 1-based): chr9:134,806,243, G>A. VCF-style: chr9-134806243-G-A. GRCh37 (hg19) VCF-style: chr9-137698089-G-A.
Other names: c.3313G>A (NM_000093.3); c.3313G>A, p.Gly1105Arg (NM_001278074.1); short protein forms G1105R.
Identifiers: ClinVar variation 2011059 (VCV002011059.6), dbSNP rs2490801091, ClinGen allele CA375451719.

ClinVar aggregate classification (germline): Uncertain significance. Review status: criteria provided, multiple submitters, no conflicts (2 of 4 stars). 2 submissions from 2 submitters: Uncertain significance (2). Last evaluated 2023-05-10.

Conditions:
Familial thoracic aortic aneurysm and aortic dissection (TAAD). Also called: Thoracic aortic aneurysms and dissections. Identifiers: Orphanet 91387, MedGen C4707243, MONDO:0019625.
Ehlers-Danlos syndrome, classic type, 1 (EDSCL1). Also called: EHLERS-DANLOS SYNDROME, GRAVIS TYPE; EHLERS-DANLOS SYNDROME, SEVERE CLASSIC TYPE; Ehlers-Danlos syndrome, type 1; EDS I; Ehlers-Danlos Syndrome, Classic Type, COL5A1-Related. Identifiers: MedGen C0268335, MONDO:0019567, OMIM 130000.

Submissions (2):

Ambry Genetics
Classification: Uncertain significance for Familial thoracic aortic aneurysm and aortic dissection. Last evaluated: 2023-05-10. Review status: criteria provided, single submitter. Criteria: Ambry Variant Classification Scheme 2023. Collection method: clinical testing. Allele origin: germline.
Comment: The c.3313G>A (p.G1105R) alteration is located in exon 42 (coding exon 42) of the COL5A1 gene. This alteration results from a G to A substitution at nucleotide position 3313, causing the glycine (G) at amino acid position 1105 to be replaced by an arginine (R). This variant was not reported in population-based cohorts in the Genome Aggregation Database (gnomAD). This amino acid position is highly conserved in available vertebrate species. Internal structural analysis indicates that this alteration disrupts the characteristic G-X-Y motif of the triple helical domain in the COL5A1 protein and inserts a bulky side chain into a sterically-constrained region (Bella, 1994; Hohenester, 2008; Ambry internal data). Glycine substitutions in the triple helical domain of COL5A1 have been reported in association with classic Ehlers-Danlos syndrome (cEDS), but the number of affected individuals is limited and several other COL5A1 glycine substitutions in the triple helical domain (e.g., p.G1078A and p.G1414A) are too common for disease in population databases (Symoens, 2012; Ritelli, 2013). This alteration is predicted to be deleterious by in silico analysis. Based on insufficient or conflicting evidence, the clinical significance of this alteration remains unclear.

Labcorp Genetics (formerly Invitae), Labcorp
Classification: Uncertain significance for Ehlers-Danlos syndrome, classic type, 1. Last evaluated: 2022-07-06. Review status: criteria provided, single submitter. Criteria: Invitae Variant Classification Sherloc (09022015). Collection method: clinical testing. Allele origin: germline.
Comment: In summary, the available evidence is currently insufficient to determine the role of this variant in disease. Therefore, it has been classified as a Variant of Uncertain Significance. This variant disrupts the triple helix domain of COL5A1. Glycine residues within the Gly-Xaa-Yaa repeats of the triple helix domain are required for the structure and stability of fibrillar collagens (PMID: 7695699, 8218237, 19344236), and variants at these glycine residues in COL5A1 are more frequently observed in individuals with disease than in the general population (PMID: 22696272, 23587214). However, the clinical significance of this observation remains uncertain since only a limited number of affected individuals have been described to date. Advanced modeling of protein sequence and biophysical properties (such as structural, functional, and spatial information, amino acid conservation, physicochemical variation, residue mobility, and thermodynamic stability) performed at Invitae indicates that this missense variant is expected to disrupt COL5A1 protein function. This variant has not been reported in the literature in individuals affected with COL5A1-related conditions. This variant is not present in population databases (gnomAD no frequency). This sequence change replaces glycine, which is neutral and non-polar, with arginine, which is basic and polar, at codon 1105 of the COL5A1 protein (p.Gly1105Arg).

Literature cited by the submitters: PubMed 7695699 (cited by Ambry Genetics and Labcorp Genetics (formerly Invitae), Labcorp); PubMed 19011090 (cited by Ambry Genetics); PubMed 22696272 (cited by Ambry Genetics and Labcorp Genetics (formerly Invitae), Labcorp); PubMed 23587214 (cited by Ambry Genetics and Labcorp Genetics (formerly Invitae), Labcorp); PubMed 8218237 (cited by Labcorp Genetics (formerly Invitae), Labcorp); PubMed 19344236 (cited by Labcorp Genetics (formerly Invitae), Labcorp).